The following is an entry in ClinVar:

NM_000143.4(FH):c.468C>A (p.Val156=)

Gene: FH (fumarate hydratase; minus strand). Cytogenetic location: 1q43.
Variant type: single nucleotide variant.
Coding change: c.468C>A on transcript NM_000143.4 (MANE Select); coding-DNA position 468, C replaced by A.
Protein change: p.Val156=; no amino-acid change (valine 156 retained).
Molecular consequence: synonymous variant.
Genome position (GRCh38, 1-based): chr1:241,512,054, G>T on the plus strand (C>A on the coding strand, the complement: FH is on the minus strand). VCF-style: chr1-241512054-G-T. GRCh37 (hg19) VCF-style: chr1-241675354-G-T.
Identifiers: ClinVar variation 233072 (VCV000233072.17), dbSNP rs202061330, ClinGen allele CA10577686.

ClinVar aggregate classification (germline): Benign/Likely benign. Review status: criteria provided, multiple submitters, no conflicts (2 of 4 stars). 4 submissions from 4 submitters: Benign (1); Likely benign (3). Last evaluated 2025-03-04.

Conditions:
Hereditary cancer-predisposing syndrome. Also called: Neoplastic Syndromes, Hereditary; Hereditary neoplastic syndrome; Hereditary Cancer Syndrome; Tumor predisposition. Identifiers: Orphanet 140162, MedGen C0027672, MeSH D009386, MONDO:0015356.
Hereditary leiomyomatosis and renal cell cancer. Also called: LEIOMYOMA, MULTIPLE CUTANEOUS; Reed syndrome; Multiple cutaneous and uterine leiomyomatosis; Cutaneous leiomyomata with uterine leiomyomata; Leiomyoma, hereditary multiple, of skin; Multiple cutaneous and uterine leiomyomata. Identifiers: Orphanet 523, MedGen C1708350, MONDO:0007888, OMIM 150800, HP:0007437. Disease mechanism: loss of function.

Allele frequency attached by ClinVar (database versions not stated): gnomAD 0.00001; TOPMed 0.00001.
gnomAD v4.1: 9 of 1,613,610 alleles (0.00056%); highest among the groups gnomAD compares: East Asian, 0.0022%; no homozygotes.

Submissions (4):

Center for Genomic Medicine, Rigshospitalet, Copenhagen University Hospital
Classification: Likely benign. Last evaluated: 2025-03-04. Review status: criteria provided, single submitter. Criteria: ACMG Guidelines, 2015. Collection method: clinical testing. Allele origin: germline.

Myriad Genetics, Inc.
Classification: Benign for Hereditary leiomyomatosis and renal cell cancer. Last evaluated: 2024-10-18. Review status: criteria provided, single submitter. Criteria: Myriad Autosomal Dominant, Autosomal Recessive and X-Linked Classification Criteria (2023). Collection method: clinical testing. Allele origin: unknown.
Comment: This variant is considered benign. This variant is a silent/synonymous amino acid change and it is not expected to impact splicing.

Labcorp Genetics (formerly Invitae), Labcorp
Classification: Likely benign. Last evaluated: 2024-05-31. Review status: criteria provided, single submitter. Criteria: Invitae Variant Classification Sherloc (09022015). Collection method: clinical testing. Allele origin: germline.

Ambry Genetics
Classification: Likely benign for Hereditary cancer-predisposing syndrome. Last evaluated: 2015-07-23. Review status: criteria provided, single submitter. Criteria: Ambry Variant Classification Scheme 2023. Collection method: clinical testing. Allele origin: germline.